The following is an entry in ClinVar:

NM_001353345.2(SETD1B):c.4844C>G (p.Ser1615Cys)

Gene: SETD1B (SET domain containing 1B, histone lysine methyltransferase; plus strand). Cytogenetic location: 12q24.31.
Variant type: single nucleotide variant.
Coding change: c.4844C>G on transcript NM_001353345.2 (MANE Select); coding-DNA position 4844, C replaced by G.
Protein change: p.Ser1615Cys; replaces serine 1615 with cysteine.
Molecular consequence: missense variant.
Genome position (GRCh38, 1-based): chr12:121,823,423, C>G. VCF-style: chr12-121823423-C-G. GRCh37 (hg19) VCF-style: chr12-122261329-C-G.
Other names: short protein forms S1615C.
Identifiers: ClinVar variation 4537270 (VCV004537270.1).

ClinVar aggregate classification (germline): Uncertain significance (1 of 4 stars; one submission).

Submission:

Women's Health and Genetics/Laboratory Corporation of America, LabCorp
Classification: Uncertain significance. Last evaluated: 2025-11-20. Review status: criteria provided, single submitter. Criteria: LabCorp Variant Classification Summary - May 2015. Collection method: clinical testing. Allele origin: germline.
Comment: Variant summary: SETD1B c.4844C>G (p.Ser1615Cys) results in a non-conservative amino acid change in the encoded protein sequence. Algorithms developed to predict the effect of missense changes on protein structure and function are either unavailable or do not agree on the potential impact of this missense change. The variant was absent in 148886 control chromosomes. The available data on variant occurrences in the general population are insufficient to allow any conclusion about variant significance. To our knowledge, no occurrence of c.4844C>G in individuals affected with SETD1B-related conditions and no experimental evidence demonstrating its impact on protein function have been reported. No submitters have cited clinical-significance assessments for this variant to ClinVar. Based on the evidence outlined above, the variant was classified as uncertain significance.